The following is an entry in ClinVar:

NM_002764.4(PRPS1):c.*685C>T

Gene: PRPS1 (phosphoribosyl pyrophosphate synthetase 1; plus strand). Cytogenetic location: Xq22.3.
Variant type: single nucleotide variant.
Coding change: c.*685C>T on transcript NM_002764.4 (MANE Select); 685 bases downstream of the stop codon, C replaced by T.
Molecular consequence: 3 prime UTR variant.
Genome position (GRCh38, 1-based): chrX:107,650,717, C>T. VCF-style: chrX-107650717-C-T. GRCh37 (hg19) VCF-style: chrX-106893947-C-T.
Other names: c.*685C>T (NM_001204402.2).
Identifiers: ClinVar variation 2673252 (VCV002673252.23), dbSNP rs2521355488, ClinGen allele CA2695197178.

ClinVar aggregate classification (germline): Uncertain significance (1 of 4 stars; one submission).

Submission:

CeGaT Center for Human Genetics Tuebingen
Classification: Uncertain significance. Last evaluated: 2023-11-01. Review status: criteria provided, single submitter. Criteria: CeGaT Center For Human Genetics Tuebingen Variant Classification Criteria Version 2. Collection method: clinical testing. Allele origin: germline. Affected: yes. Observed: 1 variant allele.
Comment: PRPS1: PM2, PP2